The following is an entry in ClinVar:

NM_014974.3(DIP2C):c.2083A>G (p.Lys695Glu)

Gene: DIP2C (DIP2 acetate--CoA ligase C (putative); minus strand). Cytogenetic location: 10p15.3.
Variant type: single nucleotide variant.
Coding change: c.2083A>G on transcript NM_014974.3 (MANE Select); coding-DNA position 2083, A replaced by G.
Protein change: p.Lys695Glu; replaces lysine 695 with glutamic acid.
Molecular consequence: missense variant.
Genome position (GRCh38, 1-based): chr10:369,542, T>C on the plus strand (A>G on the coding strand, the complement: DIP2C is on the minus strand). VCF-style: chr10-369542-T-C. GRCh37 (hg19) VCF-style: chr10-415482-T-C.
Other names: short protein forms K695E.
Identifiers: ClinVar variation 5017756 (VCV005017756.1).

ClinVar aggregate classification (germline): Uncertain significance (1 of 4 stars; one submission).

Submission:

GeneDx
Classification: Uncertain significance. Last evaluated: 2026-03-30. Review status: criteria provided, single submitter. Criteria: GeneDx Variant Classification Process June 2021. Collection method: clinical testing. Allele origin: germline.
Comment: Not observed at significant frequency in large population cohorts (gnomAD); In silico analysis suggests that this missense variant does not alter protein structure/function; Has not been previously published as pathogenic or benign to our knowledge